The following is an entry in ClinVar:

NM_000059.4(BRCA2):c.9449C>T (p.Pro3150Leu)

Gene: BRCA2 (BRCA2 DNA repair associated; plus strand). Cytogenetic location: 13q13.1.
Variant type: single nucleotide variant.
Coding change: c.9449C>T on transcript NM_000059.4 (MANE Select); coding-DNA position 9449, C replaced by T.
Protein change: p.Pro3150Leu; replaces proline 3150 with leucine.
Molecular consequence: missense variant.
Genome position (GRCh38, 1-based): chr13:32,394,881, C>T. VCF-style: chr13-32394881-C-T. GRCh37 (hg19) VCF-style: chr13-32969018-C-T.
Other names: short protein forms P3150L.
Identifiers: ClinVar variation 126212 (VCV000126212.15), dbSNP rs80359217, ClinGen allele CA026161.
Genomic context (GRCh38, chr13:32,394,881, plus strand): 5'-AATCCAAATCAGGCCTTCTTACTTTATTTGCTGGAGATTTTTCTGTGTTTTCTGCTAGTC[C>T]AAAAGAGGGCCACTTTCAAGAGACATTCAACAAAATGAAAAATACTGTTGAGGTAAGGTT-3'
Protein context (NP_000050.3, residues 3140-3160): AGDFSVFSAS[Pro3150Leu]KEGHFQETFN

ClinVar aggregate classification (germline): Uncertain significance. Review status: criteria provided, multiple submitters, no conflicts (2 of 4 stars). 4 submissions from 4 submitters: Uncertain significance (3). 1 of the submissions does not count toward it. Last evaluated 2025-12-16.

Conditions:
Hereditary cancer-predisposing syndrome. Also called: Tumor predisposition; Hereditary Cancer Syndrome; Neoplastic Syndromes, Hereditary; Hereditary neoplastic syndrome. Identifiers: Orphanet 140162, MedGen C0027672, MeSH D009386, MONDO:0015356.
Hereditary breast ovarian cancer syndrome. Also called: Hereditary breast and ovarian cancer; Hereditary breast and/or ovarian cancer syndrome; BRCA1- and BRCA2-Associated Hereditary Breast and Ovarian Cancer; Hereditary breast and ovarian cancer syndrome; Hereditary breast and ovarian cancer syndrome (HBOC); Breast and ovarian cancer. Identifiers: Orphanet 145, MedGen C0677776, MeSH D061325, MONDO:0003582. Disease mechanism: loss of function.
Breast-ovarian cancer, familial, susceptibility to, 2 (BROVCA2). Also called: BRCA2 Hereditary Breast and Ovarian Cancer. Identifiers: Orphanet 145, MedGen C2675520, MONDO:0012933, OMIM 612555. Disease mechanism: loss of function.

Allele frequency attached by ClinVar (database versions not stated): gnomAD exomes below 0.00001.
gnomAD v4.1: 2 of 1,613,990 alleles (0.00012%); highest among the groups gnomAD compares: East Asian, 0.0045%; no homozygotes.

Submissions (4):

Color Diagnostics, LLC DBA Color Health
Classification: Uncertain significance for Hereditary cancer-predisposing syndrome. Last evaluated: 2025-12-16. Review status: criteria provided, single submitter. Criteria: ACMG Guidelines, 2015. Collection method: clinical testing. Allele origin: germline.
Comment: This missense variant replaces proline with leucine at codon 3150 of the BRCA2 protein. Computational predictions are inconclusive regarding the impact of this variant on protein structure and function. Multiple functional studies have reported inconclusive findings for this variant impact on BRCA2 in a homology-directed DNA repair assay, a haploid cell proliferation assay, and the rescue of BRCA2-deficiency in cellular growth and sensitivity assays to cisplatin and PARP inhibitors (PMID: 29884841, 37922907, 39779848, 39779857). This variant has been reported in breast, pancreatic and prostate cancer case-control studies in which it was absent in cancer cases and present in up to 3 unaffected individuals (PMID: 30287823, 31214711, 32980694). A multifactorial analysis reported a likelihood ratio of 1.195 based on the personal and family history of 1 carrier (PMID: 31853058). This variant has been identified in 2/1613990 chromosomes in the general population by the Genome Aggregation Database (gnomAD). The available evidence is insufficient to determine the role of this variant in disease conclusively. Therefore, this variant is classified as a Variant of Uncertain Significance.

Labcorp Genetics (formerly Invitae), Labcorp
Classification: Uncertain significance for Hereditary breast ovarian cancer syndrome. Last evaluated: 2023-10-05. Review status: criteria provided, single submitter. Criteria: Invitae Variant Classification Sherloc (09022015). Collection method: clinical testing. Allele origin: germline.
Comment: This sequence change replaces proline, which is neutral and non-polar, with leucine, which is neutral and non-polar, at codon 3150 of the BRCA2 protein (p.Pro3150Leu). This variant is not present in population databases (gnomAD no frequency). This missense change has been observed in individual(s) with clinical features of BRCA2-related conditions (PMID: 10923033, 21520333). ClinVar contains an entry for this variant (Variation ID: 126212). Advanced modeling of protein sequence and biophysical properties (such as structural, functional, and spatial information, amino acid conservation, physicochemical variation, residue mobility, and thermodynamic stability) has been performed at Invitae for this missense variant, however the output from this modeling did not meet the statistical confidence thresholds required to predict the impact of this variant on BRCA2 protein function. Experimental studies are conflicting or provide insufficient evidence to determine the effect of this variant on BRCA2 function (PMID: 29884841). In summary, the available evidence is currently insufficient to determine the role of this variant in disease. Therefore, it has been classified as a Variant of Uncertain Significance.

Ambry Genetics
Classification: Uncertain significance for Hereditary cancer-predisposing syndrome. Last evaluated: 2022-12-29. Review status: criteria provided, single submitter. Criteria: Ambry Variant Classification Scheme 2023. Collection method: clinical testing. Allele origin: germline.
Comment: The p.P3150L variant (also known as c.9449C>T), located in coding exon 24 of the BRCA2 gene, results from a C to T substitution at nucleotide position 9449. The proline at codon 3150 is replaced by leucine, an amino acid with similar properties. This alteration had an intermediate functional effect in a homology-directed DNA repair assay (Hart SN et al. Genet. Med., 2019 01;21:71-80). This alteration has not been reported in 7051 unselected female breast cancer patients and with a carrier frequency of 0.00009 in 11241 female controls of Japanese ancestry (Momozawa Y et al. Nat Commun, 2018 10;9:4083). This alteration has not been reported in 7636 unselected prostate cancer patients and with a carrier frequency of 0.00016 in 12366 male controls of Japanese ancestry (Momozawa Y et al. J Natl Cancer Inst, 2020 Apr;112:369-376). This amino acid position is highly conserved in available vertebrate species. In addition, this alteration is predicted to be deleterious by in silico analysis. Since supporting evidence is limited at this time, the clinical significance of this alteration remains unclear.

Breast Cancer Information Core (BIC) (BRCA2)
Classification: Uncertain significance for Breast-ovarian cancer, familial 2. Last evaluated: 2002-06-20. Review status: no assertion criteria provided. Collection method: clinical testing. Allele origin: germline. Affected: yes. Observed: 1 variant allele. Not counted in ClinVar's aggregate classification.

Literature cited by the submitters: PubMed 29884841 (cited by 3 submitters); PubMed 30287823 (cited by Color Diagnostics, LLC DBA Color Health and Ambry Genetics); PubMed 31214711 (cited by Color Diagnostics, LLC DBA Color Health and Ambry Genetics); PubMed 31853058 (cited by Color Diagnostics, LLC DBA Color Health); PubMed 32980694 (cited by Color Diagnostics, LLC DBA Color Health); PubMed 37922907 (cited by Color Diagnostics, LLC DBA Color Health); PubMed 39779848 (cited by Color Diagnostics, LLC DBA Color Health); PubMed 39779857 (cited by Color Diagnostics, LLC DBA Color Health); PubMed 10923033 (cited by Labcorp Genetics (formerly Invitae), Labcorp); PubMed 21520333 (cited by Labcorp Genetics (formerly Invitae), Labcorp); PubMed 19043619 (cited by Ambry Genetics).